The following is an entry in ClinVar:

NM_144670.6(A2ML1):c.3220G>A (p.Gly1074Ser)

Gene: A2ML1 (alpha-2-macroglobulin like 1; plus strand). Cytogenetic location: 12p13.31.
Variant type: single nucleotide variant.
Coding change: c.3220G>A on transcript NM_144670.6 (MANE Select); coding-DNA position 3220, G replaced by A.
Protein change: p.Gly1074Ser; replaces glycine 1074 with serine.
Molecular consequence: missense variant.
Genome position (GRCh38, 1-based): chr12:8,858,058, G>A. VCF-style: chr12-8858058-G-A. GRCh37 (hg19) VCF-style: chr12-9010654-G-A.
Other names: c.1747G>A, p.Gly583Ser (NM_001282424.3); short protein forms G1074S, G583S.
Identifiers: ClinVar variation 1492853 (VCV001492853.6), dbSNP rs2136918082, ClinGen allele CA383838687.

ClinVar aggregate classification (germline): Uncertain significance (1 of 4 stars; one submission).

Submission:

Labcorp Genetics (formerly Invitae), Labcorp
Classification: Uncertain significance. Last evaluated: 2021-12-10. Review status: criteria provided, single submitter. Criteria: Invitae Variant Classification Sherloc (09022015). Collection method: clinical testing. Allele origin: germline.
Comment: This sequence change replaces glycine, which is neutral and non-polar, with serine, which is neutral and polar, at codon 1074 of the A2ML1 protein (p.Gly1074Ser). This variant is not present in population databases (gnomAD no frequency). This variant has not been reported in the literature in individuals affected with A2ML1-related conditions. Algorithms developed to predict the effect of missense changes on protein structure and function are either unavailable or do not agree on the potential impact of this missense change (SIFT: "Deleterious"; PolyPhen-2: "Probably Damaging"; Align-GVGD: "Class C0"). In summary, the available evidence is currently insufficient to determine the role of this variant in disease. Therefore, it has been classified as a Variant of Uncertain Significance.